The following is an entry in ClinVar:

NM_000215.4(JAK3):c.187A>G (p.Ile63Val)

Gene: JAK3 (Janus kinase 3; minus strand). Cytogenetic location: 19p13.11.
Variant type: single nucleotide variant.
Coding change: c.187A>G on transcript NM_000215.4 (MANE Select); coding-DNA position 187, A replaced by G.
Protein change: p.Ile63Val; replaces isoleucine 63 with valine.
Molecular consequence: missense variant.
Genome position (GRCh38, 1-based): chr19:17,843,898, T>C on the plus strand (A>G on the coding strand, the complement: JAK3 is on the minus strand). VCF-style: chr19-17843898-T-C. GRCh37 (hg19) VCF-style: chr19-17954707-T-C.
Other names: NM_000215.4(JAK3):c.187A>G; p.Ile63Val; short protein forms I63V.
Identifiers: ClinVar variation 252471 (VCV000252471.19), dbSNP rs144405201, ClinGen allele CA9302225.

ClinVar aggregate classification (germline): Likely benign. Review status: reviewed by expert panel (3 of 4 stars). 5 submissions from 5 submitters: Likely benign (1). 4 of the submissions do not count toward it. Last evaluated 2024-01-23.

Conditions:
JAK3-related disorder. Also called: JAK3-related condition.
T-B+ severe combined immunodeficiency due to JAK3 deficiency. Also called: SCID, T CELL-NEGATIVE, B CELL-POSITIVE, NK CELL-NEGATIVE; SCID, autosomal recessive, T-negative/B-positive type. Identifiers: Orphanet 35078, MedGen C1833275, MONDO:0010938, OMIM 600802.

Allele frequency attached by ClinVar (database versions not stated): ESP Exome Variant Server 0.00008; gnomAD exomes 0.00021 and 0.00035; gnomAD 0.00023 and 0.00026; TOPMed 0.00026; ExAC 0.00033.

Submissions (5):

ClinGen Severe Combined Immunodeficiency Variant Curation Expert Panel, ClinGen
Classification: Likely benign for T-B+ severe combined immunodeficiency due to JAK3 deficiency. Last evaluated: 2024-01-23. Review status: reviewed by expert panel. Criteria: ClinGen SCID ACMG Specifications JAK3 V1.0.0. Collection method: curation. Allele origin: germline. Inheritance: Autosomal recessive inheritance.
Comment: The c.187A>G (NM_000215.4) variant in JAK3 is a missense variant predicted to cause the substitution of Isoleucine by Valine at amino acid 63 (p.Ile63Val). The popmax filtering allele frequency (the upper threshold of the 95% CI) of this variant is 0.00007135 (105/1179936 alleles) for European (non-Finnish) chromosomes by gnomAD v.4, which is lower than the ClinGen SCID VCEP threshold (<0.000115) for PM2_Supporting; However, the highest MAF in the Ashkenazi Jewish population is 0.007061 (209/29600 alleles), which is above the SCID VCEP established threshold of >0.00100 for BS1. As this population is not known to have a higher prevalence, this is considered to meet BS1. One homozygote is described in gnomAD v.4 in the Ashkenazi Jewish population (BS2_Supporting). To our knowledge, this variant has not been reported in the literature in individuals affected with JAk3-SCID/related conditions or in functional studies. In summary, this variant meets the criteria to be classified as Likely Benign for autosomal recessive T-B+ severe combined immunodeficiency due to JAK3 deficiency based on the ACMG/AMP criteria applied, as specified by the ClinGen SCID VCEP. Criteria applied: BS1 and BS2_Supporting (VCEP specifications version 1.0).

PreventionGenetics, part of Exact Sciences
Classification: Likely benign for JAK3-related condition. Last evaluated: 2026-03-27. Review status: criteria provided, single submitter. Criteria: ACMG Guidelines, 2015. Collection method: clinical testing. Allele origin: germline. Not counted in ClinVar's aggregate classification.
Comment: This variant is classified as likely benign based on ACMG/AMP sequence variant interpretation guidelines (Richards et al. 2015 PMID: 25741868, with internal and published modifications).

Labcorp Genetics (formerly Invitae), Labcorp
Classification: Likely benign for T-B+ severe combined immunodeficiency due to JAK3 deficiency. Last evaluated: 2026-01-25. Review status: criteria provided, single submitter. Criteria: Invitae Variant Classification Sherloc (09022015). Collection method: clinical testing. Allele origin: germline. Not counted in ClinVar's aggregate classification.

Illumina Laboratory Services, Illumina
Classification: Uncertain significance for T-B+ severe combined immunodeficiency due to JAK3 deficiency. Last evaluated: 2018-01-12. Review status: criteria provided, single submitter. Criteria: ICSL Variant Classification Criteria 13 December 2019. Collection method: clinical testing. Allele origin: germline. Not counted in ClinVar's aggregate classification.

Genomic Diagnostic Laboratory, Division of Genomic Diagnostics, Children's Hospital of Philadelphia
Classification: Uncertain significance. Last evaluated: 2015-07-30. Review status: criteria provided, single submitter. Criteria: DGD Variant Analysis Guidelines. Collection method: clinical testing. Allele origin: unknown. Not counted in ClinVar's aggregate classification.